The following is an entry in ClinVar:

ClinVar aggregate classification (germline): Likely benign (1 of 4 stars; one submission).

Allele frequency attached by ClinVar (database versions not stated): gnomAD exomes below 0.00001; ExAC 0.00001.
gnomAD v4.1: 1 of 1,613,934 alleles (0.000062%); highest among the groups gnomAD compares: Non-Finnish European, 0.000085%; no homozygotes.

Submission:

GeneDx
Classification: Likely benign. Last evaluated: 2018-03-09. Review status: criteria provided, single submitter. Criteria: GeneDx Variant Classification (06012015). Collection method: clinical testing. Allele origin: germline. Affected: yes.
Comment: This variant is considered likely benign or benign based on one or more of the following criteria: it is a conservative change, it occurs at a poorly conserved position in the protein, it is predicted to be benign by multiple in silico algorithms, and/or has population frequency not consistent with disease.

NM_000532.5(PCCB):c.764-19A>G

Gene: PCCB (propionyl-CoA carboxylase subunit beta; plus strand). Cytogenetic location: 3q22.3.
Variant type: single nucleotide variant.
Coding change: c.764-19A>G on transcript NM_000532.5 (MANE Select); 19 bases into the intron before coding-DNA position 764, A replaced by G.
Molecular consequence: intron variant.
Genome position (GRCh38, 1-based): chr3:136,297,933, A>G. VCF-style: chr3-136297933-A-G. GRCh37 (hg19) VCF-style: chr3-136016775-A-G.
Other names: c.824-19A>G (NM_001178014.2).
Identifiers: ClinVar variation 515900 (VCV000515900.1), dbSNP rs779517974, ClinGen allele CA2631866.